The following is an entry in ClinVar:

NM_002890.3(RASA1):c.1336C>T (p.Gln446Ter)

Genes: CCNH (cyclin H; minus strand), RASA1 (RAS p21 protein activator 1; plus strand). Cytogenetic location: 5q14.3.
Variant type: single nucleotide variant.
Coding change: c.1336C>T on transcript NM_002890.3 (MANE Select); coding-DNA position 1336, C replaced by T.
Protein change: p.Gln446Ter; replaces glutamine 446 with a stop codon.
Molecular consequence: nonsense. On other transcripts: intron variant (1).
Genome position (GRCh38, 1-based): chr5:87,362,554, C>T. VCF-style: chr5-87362554-C-T. GRCh37 (hg19) VCF-style: chr5-86658371-C-T.
Other names: c.805C>T, p.Gln269Ter (NM_022650.3); c.933+32490G>A (NM_001364075.2); short protein forms Q269*, Q446*.
Identifiers: ClinVar variation 1458184 (VCV001458184.6), dbSNP rs2112456363, ClinGen allele CA360367225.

ClinVar aggregate classification (germline): Pathogenic (1 of 4 stars; one submission).

Conditions:
Capillary malformation-arteriovenous malformation syndrome. Also called: Capillary malformation-arteriovenous malformation. Identifiers: Orphanet 137667, MedGen C1842180, MONDO:0012016.

Submission:

Labcorp Genetics (formerly Invitae), Labcorp
Classification: Pathogenic for Capillary malformation-arteriovenous malformation syndrome. Last evaluated: 2021-08-01. Review status: criteria provided, single submitter. Criteria: Invitae Variant Classification Sherloc (09022015). Collection method: clinical testing. Allele origin: germline.
Comment: For these reasons, this variant has been classified as Pathogenic. This premature translational stop signal has been observed in individual(s) with capillary malformation–arteriovenous malformation (PMID: 14639529). It has also been observed to segregate with disease in related individuals. This variant is not present in population databases (ExAC no frequency). This sequence change creates a premature translational stop signal (p.Gln446*) in the RASA1 gene. It is expected to result in an absent or disrupted protein product. Loss-of-function variants in RASA1 are known to be pathogenic (PMID: 24038909).

Literature cited by the submitters: PubMed 14639529; PubMed 24038909.